The following is an entry in ClinVar:

NM_000540.3(RYR1):c.7844G>T (p.Arg2615Leu)

Gene: RYR1 (ryanodine receptor 1; plus strand). Cytogenetic location: 19q13.2.
Variant type: single nucleotide variant.
Coding change: c.7844G>T on transcript NM_000540.3 (MANE Select); coding-DNA position 7844, G replaced by T.
Protein change: p.Arg2615Leu; replaces arginine 2615 with leucine.
Molecular consequence: missense variant.
Genome position (GRCh38, 1-based): chr19:38,502,888, G>T. VCF-style: chr19-38502888-G-T. GRCh37 (hg19) VCF-style: chr19-38993528-G-T.
Other names: c.7844G>T, p.Arg2615Leu (NM_001042723.2); short protein forms R2615L.
Identifiers: ClinVar variation 4772393 (VCV004772393.1).

ClinVar aggregate classification (germline): Uncertain significance (1 of 4 stars; one submission).

Conditions:
RYR1-related disorder. Also called: RYR1-related condition; RYR1-related disorders. Identifiers: MedGen CN239331.

Submission:

Labcorp Genetics (formerly Invitae), Labcorp
Classification: Uncertain significance for RYR1-related disorder. Last evaluated: 2025-05-23. Review status: criteria provided, single submitter. Criteria: Invitae Variant Classification Sherloc (09022015). Collection method: clinical testing. Allele origin: germline.
Comment: This sequence change replaces arginine, which is basic and polar, with leucine, which is neutral and non-polar, at codon 2615 of the RYR1 protein (p.Arg2615Leu). This variant is not present in population databases (gnomAD no frequency). This variant has not been reported in the literature in individuals affected with RYR1-related conditions. Invitae Evidence Modeling of protein sequence and biophysical properties (such as structural, functional, and spatial information, amino acid conservation, physicochemical variation, residue mobility, and thermodynamic stability) has been performed for this missense variant. However, the output from this modeling did not meet the statistical confidence thresholds required to predict the impact of this variant on RYR1 protein function. In summary, the available evidence is currently insufficient to determine the role of this variant in disease. Therefore, it has been classified as a Variant of Uncertain Significance.